The following is an entry in ClinVar:

ClinVar aggregate classification (germline): Uncertain significance (1 of 4 stars; one submission).

Submission:

Labcorp Genetics (formerly Invitae), Labcorp
Classification: Uncertain significance. Last evaluated: 2024-11-11. Review status: criteria provided, single submitter. Criteria: Invitae Variant Classification Sherloc (09022015). Collection method: clinical testing. Allele origin: germline.
Comment: This sequence change falls in intron 17 of the POLE gene. It does not directly change the encoded amino acid sequence of the POLE protein. It affects a nucleotide within the consensus splice site. This variant is not present in population databases (gnomAD no frequency). This variant has not been reported in the literature in individuals affected with POLE-related conditions. ClinVar contains an entry for this variant (Variation ID: 3002738). Variants that disrupt the consensus splice site are a relatively common cause of aberrant splicing (PMID: 17576681, 9536098). Algorithms developed to predict the effect of sequence changes on RNA splicing suggest that this variant is not likely to affect RNA splicing. In summary, the available evidence is currently insufficient to determine the role of this variant in disease. Therefore, it has been classified as a Variant of Uncertain Significance.

Literature cited by the submitters: PubMed 17576681; PubMed 9536098.

NM_006231.4(POLE):c.1923+4A>C

Gene: POLE (DNA polymerase epsilon, catalytic subunit; minus strand). Cytogenetic location: 12q24.33.
Variant type: single nucleotide variant.
Coding change: c.1923+4A>C on transcript NM_006231.4 (MANE Select); 4 bases into the intron after coding-DNA position 1923, A replaced by C.
Molecular consequence: intron variant.
Genome position (GRCh38, 1-based): chr12:132,668,807, T>G on the plus strand (A>C on the coding strand, the complement: POLE is on the minus strand). VCF-style: chr12-132668807-T-G. GRCh37 (hg19) VCF-style: chr12-133245393-T-G.
Identifiers: ClinVar variation 3002738 (VCV003002738.3), dbSNP rs1464802642, ClinGen allele CA2740097634.